The following is an entry in ClinVar:

NM_000059.4(BRCA2):c.6145G>A (p.Val2049Met)

Gene: BRCA2 (BRCA2 DNA repair associated; plus strand). Cytogenetic location: 13q13.1.
Variant type: single nucleotide variant.
Coding change: c.6145G>A on transcript NM_000059.4 (MANE Select); coding-DNA position 6145, G replaced by A.
Protein change: p.Val2049Met; replaces valine 2049 with methionine.
Molecular consequence: missense variant.
Genome position (GRCh38, 1-based): chr13:32,340,500, G>A. VCF-style: chr13-32340500-G-A. GRCh37 (hg19) VCF-style: chr13-32914637-G-A.
Other names: short protein forms V2049M.
Identifiers: ClinVar variation 826205 (VCV000826205.11), dbSNP rs1276100299, ClinGen allele CA387788266.

ClinVar aggregate classification (germline): Conflicting classifications of pathogenicity. Review status: criteria provided, conflicting classifications (1 of 4 stars). 5 submissions from 5 submitters: Uncertain significance (4); Likely benign (1). Last evaluated 2025-09-27.

Conditions:
Hereditary cancer-predisposing syndrome. Also called: Hereditary Cancer Syndrome; Hereditary neoplastic syndrome; Neoplastic Syndromes, Hereditary; Tumor predisposition. Identifiers: Orphanet 140162, MedGen C0027672, MeSH D009386, MONDO:0015356.
Familial cancer of breast. Also called: Hereditary breast cancer; hereditary breast carcinoma; BREAST CANCER, FAMILIAL. Identifiers: Orphanet 227535, MedGen C0346153, MONDO:0016419, OMIM 114480. Disease mechanism: loss of function.
Breast-ovarian cancer, familial, susceptibility to, 2 (BROVCA2). Also called: BRCA2 Hereditary Breast and Ovarian Cancer. Identifiers: Orphanet 145, MedGen C2675520, MONDO:0012933, OMIM 612555. Disease mechanism: loss of function.
Medulloblastoma (MDB). Also called: MEDULLOBLASTOMA PREDISPOSITION SYNDROME; Medulloblastoma, somatic. Identifiers: Orphanet 616, MedGen C0025149, MeSH D008527, MONDO:0007959, OMIM 155255, HP:0002885.
Wilms tumor 1 (WT1). Also called: Wilms tumor, somatic. Identifiers: Orphanet 654, MedGen CN033288, MONDO:0008679, OMIM 194070.
Fanconi anemia complementation group D1. Also called: BRCA2-Related Fanconi Anemia. Identifiers: Orphanet 319462, MedGen C1838457, MONDO:0011584, OMIM 605724.
Pancreatic cancer, susceptibility to, 2. Identifiers: Orphanet 1333, MedGen C3150546, MONDO:0013235, OMIM 613347.
Glioma susceptibility 3 (GLM3). Also called: Glioblastoma 3. Identifiers: Orphanet 182067, Orphanet 360, MedGen C2751641, MONDO:0013093, OMIM 613029.
Familial prostate cancer. Also called: Hereditary Prostate Cancer. Identifiers: MedGen C2931456, MONDO:0700275, OMIM 176807.
Hereditary breast ovarian cancer syndrome. Also called: Hereditary breast and/or ovarian cancer syndrome; Hereditary breast and ovarian cancer syndrome; Hereditary breast and ovarian cancer syndrome (HBOC); BRCA1- and BRCA2-Associated Hereditary Breast and Ovarian Cancer; Hereditary breast and ovarian cancer; Breast and ovarian cancer. Identifiers: Orphanet 145, MedGen C0677776, MeSH D061325, MONDO:0003582. Disease mechanism: loss of function.

Allele frequency attached by ClinVar (database versions not stated): TOPMed below 0.00001.

Submissions (5):

Ambry Genetics
Classification: Uncertain significance for Hereditary cancer-predisposing syndrome. Last evaluated: 2025-09-27. Review status: criteria provided, single submitter. Criteria: Ambry Variant Classification Scheme 2023. Collection method: clinical testing. Allele origin: germline.
Comment: The p.V2049M variant (also known as c.6145G>A), located in coding exon 10 of the BRCA2 gene, results from a G to A substitution at nucleotide position 6145. The valine at codon 2049 is replaced by methionine, an amino acid with highly similar properties. This amino acid position is well conserved on limited sequence alignment. In addition, this alteration is predicted to be tolerated by in silico analysis. Since supporting evidence is limited at this time, the clinical significance of this alteration remains unclear.

Labcorp Genetics (formerly Invitae), Labcorp
Classification: Uncertain significance for Hereditary breast ovarian cancer syndrome. Last evaluated: 2025-02-25. Review status: criteria provided, single submitter. Criteria: Invitae Variant Classification Sherloc (09022015). Collection method: clinical testing. Allele origin: germline.
Comment: This sequence change replaces valine, which is neutral and non-polar, with methionine, which is neutral and non-polar, at codon 2049 of the BRCA2 protein (p.Val2049Met). This variant is not present in population databases (gnomAD no frequency). This variant has not been reported in the literature in individuals affected with BRCA2-related conditions. ClinVar contains an entry for this variant (Variation ID: 826205). Invitae Evidence Modeling of protein sequence and biophysical properties (such as structural, functional, and spatial information, amino acid conservation, physicochemical variation, residue mobility, and thermodynamic stability) indicates that this missense variant is not expected to disrupt BRCA2 protein function with a negative predictive value of 95%. In summary, the available evidence is currently insufficient to determine the role of this variant in disease. Therefore, it has been classified as a Variant of Uncertain Significance.

Fulgent Genetics
Classification: Uncertain significance for Familial cancer of breast; Medulloblastoma; Familial prostate cancer; Wilms tumor 1; Fanconi anemia complementation group D1; Breast-ovarian cancer, familial, susceptibility to, 2; Glioma susceptibility 3; Pancreatic cancer, susceptibility to, 2. Last evaluated: 2024-02-17. Review status: criteria provided, single submitter. Criteria: ACMG Guidelines, 2015. Collection method: clinical testing. Allele origin: germline.

Quest Diagnostics Nichols Institute San Juan Capistrano
Classification: Uncertain significance. Last evaluated: 2023-09-15. Review status: criteria provided, single submitter. Criteria: Quest Diagnostics criteria. Collection method: clinical testing. Allele origin: unknown.
Comment: In the published literature, this variant has been reported in an individual at high risk for breast and or ovarian cancer (PMID: 22275995 (2009)). In a large scale breast cancer association study, this variant has been reported in unaffected individuals (PMID: 33471991 (2021), see also LOVD. This variant has not been reported in large, multi-ethnic general populations (Genome Aggregation Database). Analysis of this variant using bioinformatics tools for the prediction of the effect of amino acid changes on protein structure and function yielded predictions that this variant is benign. Based on the available information, we are unable to determine the clinical significance of this variant.

University of Washington Department of Laboratory Medicine, University of Washington
Classification: Likely benign for Hereditary cancer-predisposing syndrome. Last evaluated: 2023-03-23. Review status: criteria provided, single submitter. Criteria: Dines et al. (Genet Med. 2020). Collection method: curation. Allele origin: germline.
Comment: Missense variant in a coldspot region where missense variants are very unlikely to be pathogenic (PMID:31911673).

BRCA2 exon 11 coldspot. Reclassification based on statistical prior probability.

Literature cited by the submitters: PubMed 22275995 (cited by Quest Diagnostics Nichols Institute San Juan Capistrano); PubMed 31911673 (cited by Quest Diagnostics Nichols Institute San Juan Capistrano); PubMed 33471991 (cited by Quest Diagnostics Nichols Institute San Juan Capistrano).